The following is an entry in ClinVar:

NM_001164277.2(SLC37A4):c.1149del (p.Phe384fs)

Gene: SLC37A4 (solute carrier family 37 member 4; minus strand). Cytogenetic location: 11q23.3.
Variant type: Deletion.
Coding change: c.1149del on transcript NM_001164277.2 (MANE Select); coding-DNA position 1149, one base deleted (C; older notation c.1149delC).
Protein change: p.Phe384fs; shifts the reading frame from phenylalanine 384.
Molecular consequence: frameshift variant.
Genome position (GRCh38, 1-based): chr11:119,025,051, G deleted on the plus strand (C on the coding strand, the reverse complement: SLC37A4 is on the minus strand); the first of 3 consecutive G bases (chr11:119,025,051-119,025,053); deleting any one gives the same sequence. VCF-style (leftmost placement, unchanged base first): chr11-119025050-AG-A. GRCh37 (hg19) VCF-style: chr11-118895760-AG-A.
Other names: c.1215del, p.Phe406fs (NM_001164278.2); c.930del, p.Phe311fs (NM_001164279.2); c.1149del, p.Phe384fs (NM_001164280.2, NM_001467.6); short protein forms F311fs, F384fs, F406fs.
Identifiers: ClinVar variation 2678963 (VCV002678963.3), dbSNP rs1943512272, ClinGen allele CA2003748315.

ClinVar aggregate classification (germline): Pathogenic/Likely pathogenic. Review status: criteria provided, multiple submitters, no conflicts (2 of 4 stars). 2 submissions from 2 submitters: Pathogenic (1); Likely pathogenic (1). Last evaluated 2024-12-18.

Conditions:
Glucose-6-phosphate transport defect (GSD1B). Also called: Glycogen Storage Disease Type Ib; GSD Ib. Identifiers: Orphanet 364, Orphanet 79259, MedGen C0268146, MONDO:0009288, OMIM 232220.

Submissions (2):

Labcorp Genetics (formerly Invitae), Labcorp
Classification: Pathogenic for Glucose-6-phosphate transport defect. Last evaluated: 2024-12-18. Review status: criteria provided, single submitter. Criteria: Invitae Variant Classification Sherloc (09022015). Collection method: clinical testing. Allele origin: germline.
Comment: This sequence change creates a premature translational stop signal (p.Phe384Serfs*19) in the SLC37A4 gene. While this is not anticipated to result in nonsense mediated decay, it is expected to disrupt the last 46 amino acid(s) of the SLC37A4 protein. This variant is not present in population databases (gnomAD no frequency). This variant has not been reported in the literature in individuals affected with SLC37A4-related conditions. ClinVar contains an entry for this variant (Variation ID: 2678963). This variant disrupts a region of the SLC37A4 protein in which other variant(s) (p.Arg415*) have been determined to be pathogenic (PMID: 10931421, 15059622, 21575371). This suggests that this is a clinically significant region of the protein, and that variants that disrupt it are likely to be disease-causing. For these reasons, this variant has been classified as Pathogenic.

Baylor Genetics
Classification: Likely pathogenic for Glucose-6-phosphate transport defect. Last evaluated: 2023-02-08. Review status: criteria provided, single submitter. Criteria: ACMG Guidelines, 2015. Collection method: clinical testing. Allele origin: unknown.

Literature cited by the submitters: PubMed 10931421 (cited by Labcorp Genetics (formerly Invitae), Labcorp); PubMed 15059622 (cited by Labcorp Genetics (formerly Invitae), Labcorp); PubMed 21575371 (cited by Labcorp Genetics (formerly Invitae), Labcorp).